The following is an entry in ClinVar:

NM_000465.4(BARD1):c.1652C>T (p.Ser551Leu)

Gene: BARD1 (BRCA1 associated RING domain 1; minus strand). Cytogenetic location: 2q35.
Variant type: single nucleotide variant.
Coding change: c.1652C>T on transcript NM_000465.4 (MANE Select); coding-DNA position 1652, C replaced by T.
Protein change: p.Ser551Leu; replaces serine 551 with leucine.
Molecular consequence: missense variant. On other transcripts: non-coding transcript variant (3), intron variant (1).
Genome position (GRCh38, 1-based): chr2:214,752,472, G>A on the plus strand (C>T on the coding strand, the complement: BARD1 is on the minus strand). VCF-style: chr2-214752472-G-A. GRCh37 (hg19) VCF-style: chr2-215617196-G-A.
Other names: c.1595C>T, p.Ser532Leu (NM_001282543.2); c.299C>T, p.Ser100Leu (NM_001282545.2); c.242C>T, p.Ser81Leu (NM_001282548.2); c.365-21964C>T (NM_001282549.2); short protein forms S551L, S81L, S100L, S532L.
Identifiers: ClinVar variation 220141 (VCV000220141.22), dbSNP rs587781707, ClinGen allele CA350020.
Genomic context (GRCh38, chr2:214,752,472, plus strand): 5'-ATATATAAATGTCCCAAAGCTAAATCCATACTTACTACTGAGCAGTGGCTAGCTGAGGAT[G>A]ATTCATTCTTCTCTGGTAGCAGCAATAGCGATTTCATACTTTCATCATCTGTATAATCGA-3'
Protein context (NP_000456.2, residues 541-561): SLLLLPEKNE[Ser551Leu]SSASHCSVMN

ClinVar aggregate classification (germline): Uncertain significance. Review status: criteria provided, multiple submitters, no conflicts (2 of 4 stars). 6 submissions from 6 submitters: Uncertain significance (6). Last evaluated 2026-03-12.

Conditions:
Hereditary cancer-predisposing syndrome. Also called: Tumor predisposition; Neoplastic Syndromes, Hereditary; Hereditary Cancer Syndrome; Hereditary neoplastic syndrome. Identifiers: Orphanet 140162, MedGen C0027672, MeSH D009386, MONDO:0015356.
Familial cancer of breast. Also called: BREAST CANCER, FAMILIAL; Hereditary breast cancer; hereditary breast carcinoma. Identifiers: Orphanet 227535, MedGen C0346153, MONDO:0016419, OMIM 114480. Disease mechanism: loss of function.

Allele frequency attached by ClinVar (database versions not stated): TOPMed 0.00001.

Submissions (6):

Women's Health and Genetics/Laboratory Corporation of America, LabCorp
Classification: Uncertain significance. Last evaluated: 2026-03-12. Review status: criteria provided, single submitter. Criteria: LabCorp Variant Classification Summary - May 2015. Collection method: clinical testing. Allele origin: germline.
Comment: Variant summary: BARD1 c.1652C>T (p.Ser551Leu) results in a non-conservative amino acid change in the encoded protein sequence. Algorithms developed to predict the effect of missense changes on protein structure and function are either unavailable or do not agree on the potential impact of this missense change. The variant was absent in 251344 control chromosomes. The available data on variant occurrences in the general population are insufficient to allow any conclusion about variant significance. To our knowledge, no occurrence of c.1652C>T in individuals affected with BARD1-related conditions and no experimental evidence demonstrating its impact on protein function have been reported. ClinVar contains an entry for this variant (Variation ID: 220141). Based on the evidence outlined above, the variant was classified as uncertain significance.

Labcorp Genetics (formerly Invitae), Labcorp
Classification: Uncertain significance for Familial cancer of breast. Last evaluated: 2026-01-05. Review status: criteria provided, single submitter. Criteria: Invitae Variant Classification Sherloc (09022015). Collection method: clinical testing. Allele origin: germline.
Comment: This sequence change replaces serine, which is neutral and polar, with leucine, which is neutral and non-polar, at codon 551 of the BARD1 protein (p.Ser551Leu). This variant is not present in population databases (gnomAD no frequency). This variant has not been reported in the literature in individuals affected with BARD1-related conditions. ClinVar contains an entry for this variant (Variation ID: 220141). An algorithm developed to predict the effect of missense changes on protein structure and function (PolyPhen-2) suggests that this variant is likely to be tolerated. In summary, the available evidence is currently insufficient to determine the role of this variant in disease. Therefore, it has been classified as a Variant of Uncertain Significance.

Color Diagnostics, LLC DBA Color Health
Classification: Uncertain significance for Hereditary cancer-predisposing syndrome. Last evaluated: 2024-10-15. Review status: criteria provided, single submitter. Criteria: ACMG Guidelines, 2015. Collection method: clinical testing. Allele origin: germline.
Comment: This missense variant replaces serine with leucine at codon 551 of the BARD1 protein. Computational prediction suggests that this variant may not impact protein structure and function. To our knowledge, functional studies have not been reported for this variant. This variant has not been reported in individuals affected with BARD1-related disorders in the literature. This variant has not been identified in the general population by the Genome Aggregation Database (gnomAD). The available evidence is insufficient to determine the role of this variant in disease conclusively. Therefore, this variant is classified as a Variant of Uncertain Significance.

Ambry Genetics
Classification: Uncertain significance for Hereditary cancer-predisposing syndrome. Last evaluated: 2024-09-24. Review status: criteria provided, single submitter. Criteria: Ambry Variant Classification Scheme 2023. Collection method: clinical testing. Allele origin: germline.
Comment: The p.S551L variant (also known as c.1652C>T), located in coding exon 7 of the BARD1 gene, results from a C to T substitution at nucleotide position 1652. The serine at codon 551 is replaced by leucine, an amino acid with dissimilar properties. This amino acid position is well conserved in available vertebrate species. In addition, the in silico prediction for this alteration is inconclusive. Based on the available evidence, the clinical significance of this variant remains unclear.

Baylor Genetics
Classification: Uncertain significance for Familial cancer of breast. Last evaluated: 2023-07-06. Review status: criteria provided, single submitter. Criteria: ACMG Guidelines, 2015. Collection method: clinical testing. Allele origin: unknown.

GeneDx
Classification: Uncertain significance. Last evaluated: 2016-07-21. Review status: criteria provided, single submitter. Criteria: GeneDx Variant Classification (06012015). Collection method: clinical testing. Allele origin: germline. Affected: yes.
Comment: This variant is denoted BARD1 c.1652C>T at the cDNA level, p.Ser551Leu (S551L) at the protein level, and results in the change of a Serine to a Leucine (TCA>TTA). This variant has not, to our knowledge, been published in the literature as pathogenic or benign. BARD1 Ser551Leu was not observed in approximately 6,500 individuals of European and African American ancestry in the NHLBI Exome Sequencing Project, suggesting it is not a common benign variant in these populations. Since Serine and Leucine differ in polarity, charge, size or other properties, this is considered a non-conservative amino acid substitution. BARD1 Ser551Leu occurs at a position that is not conserved and is not located in a known functional domain (UniProt). In silico analyses are inconsistent regarding the effect this variant may have on protein structure and function. Based on currently available evidence, it is unclear whether BARD1 Ser551Leu is a pathogenic or benign variant. We consider it to be a variant of uncertain significance.